The following is an entry in ClinVar:

ClinVar aggregate classification (germline): Benign. Review status: criteria provided, multiple submitters, no conflicts (2 of 4 stars). 2 submissions from 2 submitters: Benign (2). Last evaluated 2018-06-14.

Allele frequency attached by ClinVar (database versions not stated): gnomAD 0.02536 and 0.02730; 1000 Genomes Project 0.02556; TOPMed 0.02795; 1000 Genomes Project 30x 0.02811.
gnomAD v4.1: 7,840 of 1,599,592 alleles (0.49%); highest among the groups gnomAD compares: African/African-American, 8.8%; 314 homozygotes.

Submissions (2):

GeneDx
Classification: Benign. Last evaluated: 2018-06-14. Review status: criteria provided, single submitter. Criteria: GeneDx Variant Classification (06012015). Collection method: clinical testing. Allele origin: germline. Affected: yes.
Comment: This variant is considered likely benign or benign based on one or more of the following criteria: it is a conservative change, it occurs at a poorly conserved position in the protein, it is predicted to be benign by multiple in silico algorithms, and/or has population frequency not consistent with disease.

Breakthrough Genomics
Classification: Benign. Review status: criteria provided, single submitter. Criteria: ACMG Guidelines, 2015. Collection method: not provided. Allele origin: germline. Inheritance: Autosomal dominant inheritance. Affected: yes.

NM_017617.5(NOTCH1):c.5385-70C>T

Gene: NOTCH1 (notch receptor 1; minus strand). Cytogenetic location: 9q34.3.
Variant type: single nucleotide variant.
Coding change: c.5385-70C>T on transcript NM_017617.5 (MANE Select); 70 bases into the intron before coding-DNA position 5385, C replaced by T.
Molecular consequence: intron variant.
Genome position (GRCh38, 1-based): chr9:136,502,158, G>A on the plus strand (C>T on the coding strand, the complement: NOTCH1 is on the minus strand). VCF-style: chr9-136502158-G-A. GRCh37 (hg19) VCF-style: chr9-139396610-G-A.
Identifiers: ClinVar variation 679858 (VCV000679858.2), dbSNP rs115105090, ClinGen allele CA201641474.